The following is an entry in ClinVar:

ClinVar aggregate classification (germline): Uncertain significance. Review status: criteria provided, multiple submitters, no conflicts (2 of 4 stars). 2 submissions from 2 submitters: Uncertain significance (2). Last evaluated 2025-11-12.

Conditions:
Inborn genetic diseases. Identifiers: MedGen C0950123, MeSH D030342.

gnomAD v4.1: 19 of 1,613,232 alleles (0.0012%); highest among the groups gnomAD compares: East Asian, 0.0022%; no homozygotes.

Submissions (2):

Labcorp Genetics (formerly Invitae), Labcorp
Classification: Uncertain significance. Last evaluated: 2025-11-12. Review status: criteria provided, single submitter. Criteria: Invitae Variant Classification Sherloc (09022015). Collection method: clinical testing. Allele origin: germline.
Comment: This sequence change replaces alanine, which is neutral and non-polar, with threonine, which is neutral and polar, at codon 765 of the PLD1 protein (p.Ala765Thr). This variant is present in population databases (rs757887725, gnomAD 0.006%). This variant has not been reported in the literature in individuals affected with PLD1-related conditions. ClinVar contains an entry for this variant (Variation ID: 2561116). Invitae Evidence Modeling of protein sequence and biophysical properties (such as structural, functional, and spatial information, amino acid conservation, physicochemical variation, residue mobility, and thermodynamic stability) indicates that this missense variant is expected to disrupt PLD1 protein function with a positive predictive value of 80%. In summary, the available evidence is currently insufficient to determine the role of this variant in disease. Therefore, it has been classified as a Variant of Uncertain Significance.

Ambry Genetics
Classification: Uncertain significance for Inborn genetic diseases. Last evaluated: 2023-05-17. Review status: criteria provided, single submitter. Criteria: Ambry Variant Classification Scheme 2023. Collection method: clinical testing. Allele origin: germline.

NM_002662.5(PLD1):c.2293G>A (p.Ala765Thr)

Gene: PLD1 (phospholipase D1; minus strand). Cytogenetic location: 3q26.31.
Variant type: single nucleotide variant.
Coding change: c.2293G>A on transcript NM_002662.5 (MANE Select); coding-DNA position 2293, G replaced by A.
Protein change: p.Ala765Thr; replaces alanine 765 with threonine.
Molecular consequence: missense variant.
Genome position (GRCh38, 1-based): chr3:171,662,107, C>T on the plus strand (G>A on the coding strand, the complement: PLD1 is on the minus strand). VCF-style: chr3-171662107-C-T. GRCh37 (hg19) VCF-style: chr3-171379897-C-T.
Other names: c.2179G>A, p.Ala727Thr (NM_001130081.3); short protein forms A727T, A765T.
Identifiers: ClinVar variation 2561116 (VCV002561116.3), dbSNP rs757887725, ClinGen allele CA2704312.
Genomic context (GRCh38, chr3:171,662,107, plus strand): 5'-GAGCAAGACTTACTTCGATATAGATATAGTGCCTGCTGTTCTCTATCACATGGACGTAAG[C>T]GGCGTGGATGGACTCTTCATGGTACTTTATACCAGCAGACCAATCAGCAGCAGAGCGGAG-3'
Protein context (NP_002653.1, residues 755-775): IKYHEESIHA[Ala765Thr]YVHVIENSRH